The following is an entry in ClinVar:

ClinVar aggregate classification (germline): Uncertain significance (1 of 4 stars; one submission).

Conditions:
Hyperkalemic periodic paralysis. Also called: Familial hyperkalemic periodic paralysis; Gamstorp disease. Identifiers: Orphanet 682, MedGen C0238357, MONDO:0008224, OMIM 170500, HP:0007215.

gnomAD v4.1: 3 of 1,614,024 alleles (0.00019%); highest among the groups gnomAD compares: Non-Finnish European, 0.00025%; no homozygotes.

Submission:

Labcorp Genetics (formerly Invitae), Labcorp
Classification: Uncertain significance for Hyperkalemic periodic paralysis. Last evaluated: 2025-12-16. Review status: criteria provided, single submitter. Criteria: Invitae Variant Classification Sherloc (09022015). Collection method: clinical testing. Allele origin: germline.
Comment: This sequence change replaces proline, which is neutral and non-polar, with threonine, which is neutral and polar, at codon 1550 of the SCN4A protein (p.Pro1550Thr). This variant is not present in population databases (gnomAD no frequency). This variant has not been reported in the literature in individuals affected with SCN4A-related conditions. ClinVar contains an entry for this variant (Variation ID: 3710235). Invitae Evidence Modeling of protein sequence and biophysical properties (such as structural, functional, and spatial information, amino acid conservation, physicochemical variation, residue mobility, and thermodynamic stability) has been performed for this missense variant. However, the output from this modeling did not meet the statistical confidence thresholds required to predict the impact of this variant on SCN4A protein function. In summary, the available evidence is currently insufficient to determine the role of this variant in disease. Therefore, it has been classified as a Variant of Uncertain Significance.

NM_000334.4(SCN4A):c.4648C>A (p.Pro1550Thr)

Genes: GH-LCR (growth hormone locus control region; plus strand), SCN4A (sodium voltage-gated channel alpha subunit 4; minus strand). Cytogenetic location: 17q23.3.
Variant type: single nucleotide variant.
Coding change: c.4648C>A on transcript NM_000334.4 (MANE Select); coding-DNA position 4648, C replaced by A.
Protein change: p.Pro1550Thr; replaces proline 1550 with threonine.
Molecular consequence: missense variant.
Genome position (GRCh38, 1-based): chr17:63,941,634, G>T on the plus strand (C>A on the coding strand, the complement: SCN4A is on the minus strand). VCF-style: chr17-63941634-G-T. GRCh37 (hg19) VCF-style: chr17-62018994-G-T.
Other names: short protein forms P1550T.
Identifiers: ClinVar variation 3710235 (VCV003710235.2).